The following is an entry in ClinVar:

NM_001139498.2(FGF13):c.50-148733dup

Gene: FGF13 (fibroblast growth factor 13; minus strand). Cytogenetic location: Xq26.3.
Variant type: Duplication.
Coding change: c.50-148733dup on transcript NM_001139498.2; 148733 bases into the intron before coding-DNA position 50, one base duplicated (C; older notation c.50-148733dupC).
Molecular consequence: intron variant. On other transcripts: frameshift variant (1), 5 prime UTR variant (2).
Genome position (GRCh38, 1-based): chrX:138,857,661, G duplicated on the plus strand (C on the coding strand, the reverse complement: FGF13 is on the minus strand); the first of 7 consecutive G bases (chrX:138,857,661-138,857,667); duplicating any one gives the same sequence. VCF-style (leftmost placement, unchanged base first): chrX-138857660-A-AG. GRCh37 (hg19) VCF-style: chrX-137939822-A-AG.
Other names: c.68dup, p.Gly24fs (NM_001139500.2); c.-20dup (NM_001139501.2, NM_001139502.2); short protein forms G24fs.
Identifiers: ClinVar variation 2579972 (VCV002579972.1), dbSNP rs766041577, ClinGen allele CA10529600.

ClinVar aggregate classification (germline): Uncertain significance (1 of 4 stars; one submission).

Submission:

GeneDx
Classification: Uncertain significance. Last evaluated: 2023-09-11. Review status: criteria provided, single submitter. Criteria: GeneDx Variant Classification Process June 2021. Collection method: clinical testing. Allele origin: germline. Affected: yes.
Comment: Has not been previously published as pathogenic or benign to our knowledge; Frameshift variant predicted to result in protein truncation or nonsense mediated decay in a gene for which loss-of-function is not a known mechanism of disease